The following is an entry in ClinVar:

ClinVar aggregate classification (germline): Uncertain significance (1 of 4 stars; one submission).

Submission:

Labcorp Genetics (formerly Invitae), Labcorp
Classification: Uncertain significance. Last evaluated: 2021-11-09. Review status: criteria provided, single submitter. Criteria: Invitae Variant Classification Sherloc (09022015). Collection method: clinical testing. Allele origin: germline.
Comment: In summary, the available evidence is currently insufficient to determine the role of this variant in disease. Therefore, it has been classified as a Variant of Uncertain Significance. Experimental studies and prediction algorithms are not available or were not evaluated, and the functional significance of this variant is currently unknown. This variant has not been reported in the literature in individuals affected with CDH3-related conditions. This variant, c.2019_2021del, results in the deletion of 1 amino acid(s) of the CDH3 protein (p.Leu676del), but otherwise preserves the integrity of the reading frame. This variant is not present in population databases (gnomAD no frequency).

NM_001793.6(CDH3):c.2016GCT[1] (p.Leu676del)

Gene: CDH3 (cadherin 3; plus strand). Cytogenetic location: 16q22.1.
Variant type: Microsatellite.
Coding change: c.2016GCT[1] on transcript NM_001793.6 (MANE Select); one copy of the 3-base unit GCT starting at c.2016; the reference has two copies in a row; one copy, 3 bases deleted.
Protein change: p.Leu676del; deletes leucine 676.
Molecular consequence: inframe deletion.
Genome position (GRCh38, 1-based): chr16:68,695,271-68,695,273, GCT deleted; deleting any 3 consecutive bases within chr16:68,695,267-68,695,273 gives the same sequence; the position shown is the placement nearest the transcript's 3' end. VCF-style (leftmost placement, unchanged base first): chr16-68695266-GTGC-G. GRCh37 (hg19) VCF-style: chr16-68729169-GTGC-G.
Other names: c.2016GCT[1], p.Leu676del (NM_001317195.3); c.1851GCT[1], p.Leu621del (NM_001317196.2); short protein forms L676del, L621del.
Identifiers: ClinVar variation 1350507 (VCV001350507.6), dbSNP rs2152106835, ClinGen allele CA2580613893.